The following is an entry in ClinVar:

NM_001099274.3(TINF2):c.927T>G (p.His309Gln)

Gene: TINF2 (TERF1 interacting nuclear factor 2; minus strand). Cytogenetic location: 14q12.
Variant type: single nucleotide variant.
Coding change: c.927T>G on transcript NM_001099274.3 (MANE Select); coding-DNA position 927, T replaced by G.
Protein change: p.His309Gln; replaces histidine 309 with glutamine.
Molecular consequence: missense variant.
Genome position (GRCh38, 1-based): chr14:24,240,553, A>C on the plus strand (T>G on the coding strand, the complement: TINF2 is on the minus strand). VCF-style: chr14-24240553-A-C. GRCh37 (hg19) VCF-style: chr14-24709759-A-C.
Other names: c.822T>G, p.His274Gln (NM_001363668.2); c.927T>G, p.His309Gln (NM_012461.3); short protein forms H309Q, H274Q.
Identifiers: ClinVar variation 2725414 (VCV002725414.3), dbSNP rs2502455143, ClinGen allele CA389224626.
Genomic context (GRCh38, chr14:24,240,553, plus strand): 5'-CTTAGACTTCCCAGTGGAGGCTGCTCTTGTGCCCATGGCTAGGTCTGCTGTGTATATCGC[A>C]TGTTCTTCCTTGCTCTCAGGCTTAGATATGACCTGGGTTGGTGAGCCGAGATTCCTAAAG-3'
Protein context (NP_001092744.1, residues 299-319): VISKPESKEE[His309Gln]AIYTADLAMG

ClinVar aggregate classification (germline): Uncertain significance (1 of 4 stars; one submission).

Conditions:
Dyskeratosis congenita. Identifiers: Orphanet 1775, MedGen C0265965, MONDO:0015780.

Allele frequency attached by ClinVar (database versions not stated): gnomAD exomes below 0.00001.

Submission:

Labcorp Genetics (formerly Invitae), Labcorp
Classification: Uncertain significance for Dyskeratosis congenita. Last evaluated: 2025-06-17. Review status: criteria provided, single submitter. Criteria: Invitae Variant Classification Sherloc (09022015). Collection method: clinical testing. Allele origin: germline.
Comment: This sequence change replaces histidine, which is basic and polar, with glutamine, which is neutral and polar, at codon 309 of the TINF2 protein (p.His309Gln). This variant is not present in population databases (gnomAD no frequency). This variant has not been reported in the literature in individuals affected with TINF2-related conditions. ClinVar contains an entry for this variant (Variation ID: 2725414). An algorithm developed to predict the effect of missense changes on protein structure and function outputs the following: PolyPhen-2: "Benign". The glutamine amino acid residue is found in multiple mammalian species, which suggests that this missense change does not adversely affect protein function. In summary, the available evidence is currently insufficient to determine the role of this variant in disease. Therefore, it has been classified as a Variant of Uncertain Significance.